The following is an entry in ClinVar:

NM_001384474.1(LOXHD1):c.752_756del (p.Leu251fs)

Gene: LOXHD1 (lipoxygenase homology PLAT domains 1; minus strand). Cytogenetic location: 18q21.1.
Variant type: Deletion.
Coding change: c.752_756del on transcript NM_001384474.1 (MANE Select); coding-DNA positions 752 to 756, 5 bases deleted (TGTCC; older notation c.752_756delTGTCC).
Protein change: p.Leu251fs; shifts the reading frame from leucine 251.
Molecular consequence: frameshift variant.
Genome position (GRCh38, 1-based): chr18:46,610,779-46,610,783, GGACA deleted on the plus strand (TGTCC on the coding strand, the reverse complement: LOXHD1 is on the minus strand); deleting any 5 consecutive bases within chr18:46,610,779-46,610,786 gives the same sequence; the c. name uses the placement nearest the transcript's 3' end. VCF-style (leftmost placement, unchanged base first): chr18-46610778-GGGACA-G. GRCh37 (hg19) VCF-style: chr18-44190741-GGGACA-G.
Other names: c.752_756del, p.Leu251fs (NM_144612.7); short protein forms L251fs.
Identifiers: ClinVar variation 1380580 (VCV001380580.6), dbSNP rs2144311662, ClinGen allele CA2573155303.

ClinVar aggregate classification (germline): Pathogenic (1 of 4 stars; one submission).

Submission:

Labcorp Genetics (formerly Invitae), Labcorp
Classification: Pathogenic. Last evaluated: 2021-08-31. Review status: criteria provided, single submitter. Criteria: Invitae Variant Classification Sherloc (09022015). Collection method: clinical testing. Allele origin: germline.
Comment: This sequence change creates a premature translational stop signal (p.Leu251Profs*5) in the LOXHD1 gene. It is expected to result in an absent or disrupted protein product. Loss-of-function variants in LOXHD1 are known to be pathogenic (PMID: 19732867, 21465660, 25792669). This variant is not present in population databases (ExAC no frequency). This variant has not been reported in the literature in individuals affected with LOXHD1-related conditions. For these reasons, this variant has been classified as Pathogenic.

Literature cited by the submitters: PubMed 19732867; PubMed 21465660; PubMed 25792669.